The following is an entry in ClinVar:

NM_001368894.2(PAX6):c.262A>T (p.Ser88Cys)

Gene: PAX6 (paired box 6; minus strand). Cytogenetic location: 11p13.
Variant type: single nucleotide variant.
Coding change: c.262A>T on transcript NM_001368894.2 (MANE Select); coding-DNA position 262, A replaced by T.
Protein change: p.Ser88Cys; replaces serine 88 with cysteine.
Molecular consequence: missense variant. On other transcripts: 5 prime UTR variant (14), non-coding transcript variant (2), intron variant (8).
Genome position (GRCh38, 1-based): chr11:31,801,698, T>A on the plus strand (A>T on the coding strand, the complement: PAX6 is on the minus strand). VCF-style: chr11-31801698-T-A. GRCh37 (hg19) VCF-style: chr11-31823246-T-A.
Other names: c.220A>T, p.Ser74Cys (NM_000280.6, NM_001127612.3, NM_001258464.2 and 10 more transcripts); c.262A>T, p.Ser88Cys (NM_001258462.3, NM_001258463.2, NM_001310158.2 and 6 more transcripts); c.-520A>T (NM_001310160.2, NM_001368902.2, NM_001368905.2); c.-189A>T (NM_001310161.3, NM_001368899.2, NM_001368900.2 and 8 more transcripts); c.463A>T, p.Ser155Cys (NM_001368910.2); c.265A>T, p.Ser89Cys (NM_001368911.2); c.337A>T, p.Ser113Cys (NM_001368918.2, NM_001368919.2); c.295A>T, p.Ser99Cys (NM_001368920.2); and 2 more; short protein forms S74C, S113C, S88C, S99C, S89C, S155C.
Identifiers: ClinVar variation 578328 (VCV000578328.8), dbSNP rs1565239425, ClinGen allele CA379958843.

ClinVar aggregate classification (germline): Uncertain significance (1 of 4 stars; one submission).

Conditions:
Aniridia 1 (AN1). Identifiers: Orphanet 250923, MedGen C0344542, MONDO:0024507, OMIM 106210.
Irido-corneo-trabecular dysgenesis (ASGD5). Also called: ANTERIOR SEGMENT DYSGENESIS 5. Identifiers: Orphanet 708, MedGen C0344559, MONDO:0011414, OMIM 604229, HP:0000659.

Submission:

Labcorp Genetics (formerly Invitae), Labcorp
Classification: Uncertain significance for Aniridia 1; Irido-corneo-trabecular dysgenesis. Last evaluated: 2018-04-05. Review status: criteria provided, single submitter. Criteria: Invitae Variant Classification Sherloc (09022015). Collection method: clinical testing. Allele origin: germline.
Comment: In summary, the available evidence is currently insufficient to determine the role of this variant in disease. Therefore, it has been classified as a Variant of Uncertain Significance. Algorithms developed to predict the effect of missense changes on protein structure and function (SIFT, PolyPhen-2, Align-GVGD) all suggest that this variant is likely to be disruptive, but these predictions have not been confirmed by published functional studies and their clinical significance is uncertain. This variant has not been reported in the literature in individuals with PAX6-related disease. This variant is not present in population databases (ExAC no frequency). This sequence change replaces serine with cysteine at codon 74 of the PAX6 protein (p.Ser74Cys). The serine residue is highly conserved and there is a moderate physicochemical difference between serine and cysteine.